The following is an entry in ClinVar:

ClinVar aggregate classification (germline): Likely pathogenic. Review status: criteria provided, multiple submitters, no conflicts (2 of 4 stars). 3 submissions from 3 submitters: Likely pathogenic (3). Last evaluated 2025-01-29.

Conditions:
Primary familial dilated cardiomyopathy (FDC). Also called: Familial dilated cardiomyopathy; Hypokinetic dilated cardiomyopathy, familial. Identifiers: Orphanet 217607, MedGen C0340427, MONDO:0016333.
Cardiovascular phenotype. Identifiers: MedGen CN230736.
Autosomal recessive limb-girdle muscular dystrophy type 2J (LGMDR10). Also called: Limb-girdle muscular dystrophy, type 2J; MUSCULAR DYSTROPHY, LIMB-GIRDLE, AUTOSOMAL RECESSIVE 10. Identifiers: Orphanet 140922, MedGen C1837342, MONDO:0012127, OMIM 608807.
Dilated cardiomyopathy 1G (CMD1G). Identifiers: Orphanet 154, MedGen C1858763, MONDO:0011400, OMIM 604145.

Allele frequency attached by ClinVar (database versions not stated): gnomAD exomes below 0.00001; ExAC 0.00001.

Submissions (3):

Labcorp Genetics (formerly Invitae), Labcorp
Classification: Likely pathogenic for Dilated cardiomyopathy 1G; Autosomal recessive limb-girdle muscular dystrophy type 2J. Last evaluated: 2025-01-29. Review status: criteria provided, single submitter. Criteria: Invitae Variant Classification Sherloc (09022015). Collection method: clinical testing. Allele origin: germline.
Comment: This sequence change creates a premature translational stop signal (p.Gly26117Trpfs*13) in the TTN gene. While this is not anticipated to result in nonsense mediated decay, it is expected to create a truncated TTN protein. This variant is present in population databases (rs751230035, gnomAD 0.01%). This premature translational stop signal has been observed in individual(s) with dilated cardiomyopathy (internal data). ClinVar contains an entry for this variant (Variation ID: 1745432). This variant is located in the A band of TTN (PMID: 25589632). Truncating variants in this region are significantly overrepresented in patients affected with dilated cardiomyopathy (PMID: 25589632). Truncating variants in this region have also been reported in individuals affected with autosomal recessive centronuclear myopathy (PMID: 23975875). In summary, the currently available evidence indicates that the variant is pathogenic, but additional data are needed to prove that conclusively. Therefore, this variant has been classified as Likely Pathogenic.

Women's Health and Genetics/Laboratory Corporation of America, LabCorp
Classification: Likely pathogenic for Primary familial dilated cardiomyopathy. Last evaluated: 2022-12-05. Review status: criteria provided, single submitter. Criteria: LabCorp Variant Classification Summary - May 2015. Collection method: clinical testing. Allele origin: germline.
Comment: Variant summary: TTN c.70644dupT (p.Gly23549TrpfsX13) results in a premature termination codon, predicted to cause a truncation of the encoded protein or absence of the protein due to nonsense mediated decay, which are commonly known mechanisms for disease. Truncations downstream of this position have been classified as pathogenic by our laboratory. The variant allele was found at a frequency of 4e-06 in 248446 control chromosomes. To our knowledge, no occurrence of c.70644dupT in individuals affected with Dilated Cardiomyopathy and no experimental evidence demonstrating its impact on protein function have been reported. One clinical diagnostic laboratory has submitted clinical-significance assessments for this variant to ClinVar after 2014 without evidence for independent evaluation and classified the variant as likely pathogenic. Based on the evidence outlined above, the variant was classified as likely pathogenic.

Ambry Genetics
Classification: Likely pathogenic for Cardiovascular phenotype. Last evaluated: 2022-09-07. Review status: criteria provided, single submitter. Criteria: Ambry Variant Classification Scheme 2023. Collection method: clinical testing. Allele origin: germline.
Comment: The c.51153dupT variant, located in coding exon 153 of the TTN gene, results from a duplication of T at nucleotide position 51153, causing a translational frameshift with a predicted alternate stop codon (p.G17052Wfs*13). This exon is located in the A-band region of the N2-B isoform of the titin protein and is constitutively expressed in TTN transcripts (percent spliced in or PSI 100%). This variant is considered to be rare based on population cohorts in the Genome Aggregation Database (gnomAD). This alteration is expected to result in loss of function by premature protein truncation or nonsense-mediated mRNA decay. While truncating variants in TTN are present in 1-3% of the general population, truncating variants in the A-band are the most common cause of dilated cardiomyopathy (DCM) (Herman DS et al. N. Engl. J. Med., 2012 Feb;366:619-28; Roberts AM et al. Sci Transl Med, 2015 Jan;7:270ra6). TTN truncating variants encoded in constitutive exons (PSI >90%) have been found to be significantly associated with DCM regardless of their position in titin (Schafer S et al. Nat. Genet., 2017 01;49:46-53). Based on the majority of available evidence to date, this variant is likely to be pathogenic.

Literature cited by the submitters: PubMed 25589632 (cited by Labcorp Genetics (formerly Invitae), Labcorp); PubMed 23975875 (cited by Labcorp Genetics (formerly Invitae), Labcorp).

NM_001267550.2(TTN):c.78348dup (p.Gly26117fs)

Genes: TTN (titin; minus strand), TTN-AS1 (TTN antisense RNA 1; plus strand). Cytogenetic location: 2q31.2.
Variant type: Duplication.
Coding change: c.78348dup on transcript NM_001267550.2 (MANE Select); coding-DNA position 78348, one base duplicated (T; older notation c.78348dupT).
Protein change: p.Gly26117fs; shifts the reading frame from glycine 26117.
Molecular consequence: frameshift variant.
Genome position (GRCh38, 1-based): chr2:178,567,784, A duplicated on the plus strand (T on the coding strand, the reverse complement: TTN is on the minus strand). VCF-style (leftmost placement, unchanged base first): chr2-178567783-C-CA. GRCh37 (hg19) VCF-style: chr2-179432510-C-CA.
Other names: c.73425dup, p.Gly24476fs (NM_001256850.1); c.51153dup, p.Gly17052fs (NM_003319.4); c.70644dup, p.Gly23549fs (NM_133378.4); c.51528dup, p.Gly17177fs (NM_133432.3); c.51729dup, p.Gly17244fs (NM_133437.4); c.51153dupT (NM_003319.4); c.70644dupT (NM_133378.4); short protein forms G17052fs, G17244fs, G17177fs, G23549fs, G24476fs, G26117fs.
Identifiers: ClinVar variation 1745432 (VCV001745432.6), dbSNP rs751230035, ClinGen allele CA1989619.